The following is an entry in ClinVar:

ClinVar aggregate classification (germline): Uncertain significance (1 of 4 stars; one submission).

Allele frequency attached by ClinVar (database versions not stated): ExAC 0.00002; gnomAD exomes 0.00002 and 0.00006; gnomAD 0.00014; 1000 Genomes Project 0.00020; TOPMed 0.00020; 1000 Genomes Project 30x 0.00031.
gnomAD v4.1: 35 of 1,614,112 alleles (0.0022%); highest among the groups gnomAD compares: Admixed American, 0.058%; no homozygotes.

Submission:

Labcorp Genetics (formerly Invitae), Labcorp
Classification: Uncertain significance. Last evaluated: 2024-12-02. Review status: criteria provided, single submitter. Criteria: Invitae Variant Classification Sherloc (09022015). Collection method: clinical testing. Allele origin: germline.
Comment: This sequence change replaces glycine, which is neutral and non-polar, with arginine, which is basic and polar, at codon 6 of the C1QA protein (p.Gly6Arg). This variant is present in population databases (rs201074672, gnomAD 0.04%). This variant has not been reported in the literature in individuals affected with C1QA-related conditions. ClinVar contains an entry for this variant (Variation ID: 1490492). An algorithm developed to predict the effect of missense changes on protein structure and function outputs the following: PolyPhen-2: "Benign". The arginine amino acid residue is found in multiple mammalian species, which suggests that this missense change does not adversely affect protein function. In summary, the available evidence is currently insufficient to determine the role of this variant in disease. Therefore, it has been classified as a Variant of Uncertain Significance.

NM_015991.4(C1QA):c.16G>A (p.Gly6Arg)

Gene: C1QA (complement C1q A chain; plus strand). Cytogenetic location: 1p36.12.
Variant type: single nucleotide variant.
Coding change: c.16G>A on transcript NM_015991.4 (MANE Select); coding-DNA position 16, G replaced by A.
Protein change: p.Gly6Arg; replaces glycine 6 with arginine.
Molecular consequence: missense variant.
Genome position (GRCh38, 1-based): chr1:22,637,632, G>A. VCF-style: chr1-22637632-G-A. GRCh37 (hg19) VCF-style: chr1-22964125-G-A.
Other names: c.16G>A, p.Gly6Arg (NM_001347465.2, NM_001347466.2); short protein forms G6R.
Identifiers: ClinVar variation 1490492 (VCV001490492.7), dbSNP rs201074672, ClinGen allele CA677699.